The following continues an entry in ClinVar:

NM_000059.4(BRCA2):c.8351G>A (p.Arg2784Gln)

Gene: BRCA2. ClinVar aggregate classification (germline): Conflicting classifications of pathogenicity. Pathogenic (3); Likely pathogenic (7); Pathogenic, low penetrance (1); Uncertain significance (12).

Submissions 7 to 15 of 29:

Quest Diagnostics Nichols Institute San Juan Capistrano
Classification: Likely pathogenic. Last evaluated: 2025-10-03. Review status: criteria provided, single submitter. Criteria: Quest Diagnostics criteria. Collection method: clinical testing. Allele origin: unknown.
Comment: The BRCA2 c.8351G>A (p.Arg2784Gln) variant has been reported in individuals with breast and/or ovarian cancer (PMIDs: 36881271 (2023), 36605468 (2023), 35264596 (2022), 33471991 (2021), 34072659 (2021), 27914478 (2016), 21232165 (2011), 19563646 (2009), see also LOVD) and prostate cancer (PMID: 21952622 (2011)). This variant has also been identified in reportedly unaffected individuals (PMIDs: 32906206 (2020), 33471991 (2021), 19563646 (2009), see also LOVD). In addition, multiple cell-based functional studies report this variant is damaging to BRCA2 protein function (PMIDs: 23108138 (2013), 29394989 (2018), 29988080 (2018), 32444794 (2020)). The frequency of this variant in the general population (Genome Aggregation Database) is consistent with pathogenicity. Analysis of this variant using bioinformatics tools for the prediction of the effect of amino acid changes on protein structure and function yielded predictions that this variant is damaging. Based on the available information, this variant is classified as likely pathogenic.

PreventionGenetics, part of Exact Sciences
Classification: Uncertain significance for BRCA2-related condition. Last evaluated: 2025-07-28. Review status: criteria provided, single submitter. Criteria: ACMG Guidelines, 2015. Collection method: clinical testing. Allele origin: germline.
Comment: The BRCA2 c.8351G>A variant is predicted to result in the amino acid substitution p.Arg2784Gln. This variant has been reported in individuals and families affected with breast and/or ovarian cancer and prostate cancer (Gomez Garcia et al. 2009. PubMed ID: 19200354; Supplementary Table 1, Kote-Jarai et al. 2011. PubMed ID: 21952622; Maistro et al. 2016. PubMed ID: 27914478; Fernandes et al. 2016. PubMed ID: 27741520). It has also been reported in controls (Supplemental Content, Dorling et al. 2021. PubMed ID: 33471991). Experimental studies suggest this variant impacts protein function; however, these studies were conflicting regarding the extent of functional defect (Guidugli et al. 2018. PubMed ID: 29394989; Mesman et al. 2018. PubMed ID: 29988080). In a publication from the ENIGMA BRCA2 expert curation panel, they state that p.Arg2784Gln has conflicting functional and clinical data and is "considered uncertain according to ACMG/AMP qualitative criteria" (Parsons et al. 2019. PubMed ID: 31131967). This variant is reported in 0.0062% of alleles in individuals of African descent in gnomAD and has conflicting interpretations regarding its pathogenicity in ClinVar, ranging from pathogenic to uncertain (Variation ID: 52559). An alternate variant impacting the same amino acid (c.8350C>T, p.Arg2784Trp) has been classified as pathogenic and likely pathogenic in ClinVar (Variation ID: 38155). Although we suspect that this variant may be pathogenic, at this time, the clinical significance of this variant is uncertain due to the absence of conclusive functional and genetic evidence.

Labcorp Genetics (formerly Invitae), Labcorp
Classification: Uncertain significance for Hereditary breast ovarian cancer syndrome. Last evaluated: 2024-12-30. Review status: criteria provided, single submitter. Criteria: Invitae Variant Classification Sherloc (09022015). Collection method: clinical testing. Allele origin: germline.
Comment: This sequence change replaces arginine, which is basic and polar, with glutamine, which is neutral and polar, at codon 2784 of the BRCA2 protein (p.Arg2784Gln). This variant is present in population databases (rs80359076, gnomAD 0.007%). This missense change has been observed in individual(s) with breast cancer and/or ovarian cancer, prostate cancer, clinical features of Fanconi anemia and/or sarcoma (PMID: 19200354, 19563646, 21232165, 21952622, 27914478, 30254663, 34326862, 35264596, 35534704; internal data). In at least one individual the data is consistent with being in trans (on the opposite chromosome) from a pathogenic variant. It has also been observed to segregate with disease in related individuals. ClinVar contains an entry for this variant (Variation ID: 52559). Invitae Evidence Modeling of protein sequence and biophysical properties (such as structural, functional, and spatial information, amino acid conservation, physicochemical variation, residue mobility, and thermodynamic stability) indicates that this missense variant is not expected to disrupt BRCA2 protein function with a negative predictive value of 95%. Experimental studies have shown that this missense change affects BRCA2 function (PMID: 19200354, 23108138, 29394989, 29988080, 31131967, 32444794). This variant disrupts the p.Arg2784 amino acid residue in BRCA2. Other variant(s) that disrupt this residue have been determined to be pathogenic (PMID: 16683254, 18451181, 21520333, 23108138, 27616075, 29884841, 29988080, 30032850). This suggests that this residue is clinically significant, and that variants that disrupt this residue are likely to be disease-causing. In summary, the available evidence is currently insufficient to determine the role of this variant in disease. Therefore, it has been classified as a Variant of Uncertain Significance.

Color Diagnostics, LLC DBA Color Health
Classification: Uncertain significance for Hereditary cancer-predisposing syndrome. Last evaluated: 2024-12-17. Review status: criteria provided, single submitter. Criteria: ACMG Guidelines, 2015. Collection method: clinical testing. Allele origin: germline.
Comment: This missense variant replaces arginine with glutamine at codon 2784 of the BRCA2 protein. Computational prediction suggests that this variant may have deleterious impact on protein structure and function. Functional studies have shown that this variant reduces homology-direct DNA repair activity, complements poorly in BRCA2-null cells, and increases sensitivity to PARP inhibitors (PMID: 23108138, 29394989, 29988080, 37067535). This variant has been reported in individuals affected with breast or ovarian cancer (PMID: 34072659, 27914478, 36605468, DOI: 10.1515/tjb-2019-0424, Color internal data). In a large breast cancer case-control study conducted by the BRIDGES consortium this variant was reported in 6/60466 cases and 2/53461 controls, showing inconclusive association with disease (OR= 2.653, 95%CI 0.535 to 13.143, p-value= 0.296) (PMID: 33471991; Leiden Open Variation Database DB-ID BRCA2_000310). Multifactorial analyses have reported likelihood ratios reaching a combined LR = 0.00005765 based on the personal and family history of 10 carriers, segregation, tumor pathology and co-occurrence with pathogenic variant (PMID: 31131967, 31853058). This variant has been identified in 3/251422 chromosomes in the general population by the Genome Aggregation Database (gnomAD). The available evidence is contradictory and insufficient to determine the role of this variant in disease conclusively. Therefore, this variant is classified as a Variant of Uncertain Significance.

Cambridge Genomics Laboratory, East Genomic Laboratory Hub, NHS Genomic Medicine Service
Classification: Likely pathogenic for Inherited breast cancer and ovarian cancer. Last evaluated: 2024-09-05. Review status: criteria provided, single submitter. Criteria: ACGS Best Practice Guidelines for Variant Classification in Rare Disease 2020. Collection method: clinical testing. Allele origin: germline. Affected: yes.
Comment: PS3,PM2_Supporting,PM5_Supporting,PP3

Blueprint Genetics
Classification: Uncertain significance. Last evaluated: 2024-06-26. Review status: criteria provided, single submitter. Criteria: ACMG Guidelines, 2015. Collection method: clinical testing. Allele origin: germline.

GeneDx
Classification: Uncertain significance. Last evaluated: 2024-03-29. Review status: criteria provided, single submitter. Criteria: GeneDx Variant Classification Process June 2021. Collection method: clinical testing. Allele origin: germline. Affected: yes.
Comment: Observed in several families with BRCA2-related cancers, but also in healthy controls (PMID: 19200354, 21952622, 21232165, 27741520, 27914478, 30254663, 33471991, 35264596, 34326862, 35534704, 36881271); Published functional studies are conflicting: capable of rescuing cell lethality in a mouse-based complementation assay, but associated with damaging to partially damaging effects on homology-directed repair activity (PMID: 23108138, 29988080, 29394989, 29884841, 35665744); Multifactorial likelihood analysis suggests this variant is benign (PMID: 31131967); In silico analysis supports that this missense variant does not alter protein structure/function; Not observed at significant frequency in large population cohorts (gnomAD); Also known as 8579G>A; This variant is associated with the following publications: (PMID: 19043619, 17088437, 27914478, 25032700, 29988080, 23108138, 21952622, 19200354, 19563646, 25637381, 27741520, 21232165, 29394989, 29884841, 30254663, 29641532, 35665744, 33471991, Bahsi2019[article], 32444794, 32719484, 35264596, 34072659, 36605468, 12228710, 30032850, 27616075, 37067535, 34326862, 35534704, 36881271, 38136308, 31131967)

MGZ Medical Genetics Center
Classification: Uncertain significance for Familial cancer of breast. Last evaluated: 2024-02-09. Review status: criteria provided, single submitter. Criteria: CSpec BRCA1/2ACMG Rules Specifications V1.1.0. Collection method: clinical testing. Allele origin: germline. Affected: yes.
Comment: ACMG codes applied following ENIGMA VCEP rules: PS3, BP5_STR, PP3

Baylor Genetics
Classification: Uncertain significance for Familial cancer of breast. Last evaluated: 2023-12-19. Review status: criteria provided, single submitter. Criteria: ACMG Guidelines, 2015. Collection method: clinical testing. Allele origin: unknown.